The following is an entry in ClinVar:

NM_000143.4(FH):c.284C>T (p.Ala95Val)

Gene: FH (fumarate hydratase; minus strand). Cytogenetic location: 1q43.
Variant type: single nucleotide variant.
Coding change: c.284C>T on transcript NM_000143.4 (MANE Select); coding-DNA position 284, C replaced by T.
Protein change: p.Ala95Val; replaces alanine 95 with valine.
Molecular consequence: missense variant.
Genome position (GRCh38, 1-based): chr1:241,513,697, G>A on the plus strand (C>T on the coding strand, the complement: FH is on the minus strand). VCF-style: chr1-241513697-G-A. GRCh37 (hg19) VCF-style: chr1-241676997-G-A.
Other names: c.284C>T (NM_000143.3); short protein forms A95V.
Identifiers: ClinVar variation 1020589 (VCV001020589.13), dbSNP rs1660148115, ClinGen allele CA345441028.

ClinVar aggregate classification (germline): Uncertain significance. Review status: criteria provided, multiple submitters, no conflicts (2 of 4 stars). 3 submissions from 3 submitters: Uncertain significance (2). 1 of the submissions does not count toward it. Last evaluated 2025-12-08.

Conditions:
Fumarase deficiency (FMRD). Also called: Fumaric aciduria; Fumarate Hydratase Deficiency. Identifiers: Orphanet 24, MedGen C0342770, MONDO:0011730, OMIM 606812.
Hereditary cancer-predisposing syndrome. Also called: Hereditary neoplastic syndrome; Neoplastic Syndromes, Hereditary; Tumor predisposition; Hereditary Cancer Syndrome. Identifiers: Orphanet 140162, MedGen C0027672, MeSH D009386, MONDO:0015356.

Submissions (3):

Ambry Genetics
Classification: Uncertain significance for Hereditary cancer-predisposing syndrome. Last evaluated: 2025-12-08. Review status: criteria provided, single submitter. Criteria: Ambry Variant Classification Scheme 2023. Collection method: clinical testing. Allele origin: germline.
Comment: The p.A95V variant (also known as c.284C>T), located in coding exon 3 of the FH gene, results from a C to T substitution at nucleotide position 284. The alanine at codon 95 is replaced by valine, an amino acid with similar properties. This amino acid position is highly conserved in available vertebrate species. In addition, this alteration is predicted to be deleterious by in silico analysis. Based on the available evidence, the clinical significance of this variant remains unclear.

Labcorp Genetics (formerly Invitae), Labcorp
Classification: Uncertain significance. Last evaluated: 2024-01-18. Review status: criteria provided, single submitter. Criteria: Invitae Variant Classification Sherloc (09022015). Collection method: clinical testing. Allele origin: germline.
Comment: This sequence change replaces alanine, which is neutral and non-polar, with valine, which is neutral and non-polar, at codon 95 of the FH protein (p.Ala95Val). This variant is not present in population databases (gnomAD no frequency). This variant has not been reported in the literature in individuals affected with FH-related conditions. ClinVar contains an entry for this variant (Variation ID: 1020589). Advanced modeling of protein sequence and biophysical properties (such as structural, functional, and spatial information, amino acid conservation, physicochemical variation, residue mobility, and thermodynamic stability) performed at Invitae indicates that this missense variant is expected to disrupt FH protein function with a positive predictive value of 95%. In summary, the available evidence is currently insufficient to determine the role of this variant in disease. Therefore, it has been classified as a Variant of Uncertain Significance.

Natera, Inc.
Classification: Uncertain significance for Fumarase Deficiency. Last evaluated: 2020-10-20. Review status: no assertion criteria provided. Collection method: clinical testing. Allele origin: germline. Not counted in ClinVar's aggregate classification.